The following is an entry in ClinVar:

NM_005689.4(ABCB6):c.1864-9A>G

Gene: ABCB6 (ATP binding cassette subfamily B member 6 (LAN blood group); minus strand). Cytogenetic location: 2q35.
Variant type: single nucleotide variant.
Coding change: c.1864-9A>G on transcript NM_005689.4 (MANE Select); 9 bases into the intron before coding-DNA position 1864, A replaced by G.
Molecular consequence: intron variant.
Genome position (GRCh38, 1-based): chr2:219,212,500, T>C on the plus strand (A>G on the coding strand, the complement: ABCB6 is on the minus strand). VCF-style: chr2-219212500-T-C. GRCh37 (hg19) VCF-style: chr2-220077222-T-C.
Other names: c.1726-9A>G (NM_001349828.2); c.1864-9A>G (NM_005689.2).
Identifiers: ClinVar variation 1898766 (VCV001898766.6), dbSNP rs373316042, ClinGen allele CA2119160.

ClinVar aggregate classification (germline): Uncertain significance. Review status: criteria provided, multiple submitters, no conflicts (2 of 4 stars). 2 submissions from 2 submitters: Uncertain significance (2). Last evaluated 2025-09-25.

Conditions:
ABCB6-related disorder. Also called: ABCB6-related condition.

Allele frequency attached by ClinVar (database versions not stated): ExAC 0.00004; gnomAD exomes 0.00009; TOPMed 0.00010; gnomAD 0.00012; ESP Exome Variant Server 0.00015.
gnomAD v4.1: 153 of 1,611,178 alleles (0.0095%); highest among the groups gnomAD compares: Middle Eastern, 0.049%; no homozygotes.

Submissions (2):

PreventionGenetics, part of Exact Sciences
Classification: Uncertain significance for ABCB6-related condition. Last evaluated: 2025-09-25. Review status: criteria provided, single submitter. Criteria: ACMG Guidelines, 2015. Collection method: clinical testing. Allele origin: germline.
Comment: The ABCB6 c.1864-9A>G variant is predicted to interfere with splicing. This variant is predicted to impact splicing based on a splicing prediction program (SpliceAI, Jaganathan K, et al. 2019. PubMed ID: 30661751). To our knowledge, this variant has not been reported in the literature. This variant is reported in 0.0085% of alleles in individuals of Latino descent in gnomAD. At this time, the clinical significance of this variant is uncertain due to the absence of conclusive functional and genetic evidence.

Labcorp Genetics (formerly Invitae), Labcorp
Classification: Uncertain significance. Last evaluated: 2022-09-01. Review status: criteria provided, single submitter. Criteria: Invitae Variant Classification Sherloc (09022015). Collection method: clinical testing. Allele origin: germline.
Comment: In summary, the available evidence is currently insufficient to determine the role of this variant in disease. Therefore, it has been classified as a Variant of Uncertain Significance. Algorithms developed to predict the effect of sequence changes on RNA splicing suggest that this variant may disrupt the consensus splice site. This variant has not been reported in the literature in individuals affected with ABCB6-related conditions. This variant is present in population databases (rs373316042, gnomAD 0.009%). This sequence change falls in intron 13 of the ABCB6 gene. It does not directly change the encoded amino acid sequence of the ABCB6 protein.